The following is an entry in ClinVar:

ClinVar aggregate classification (germline): Uncertain significance (1 of 4 stars; one submission).

Conditions:
Inborn genetic diseases. Identifiers: MedGen C0950123, MeSH D030342.

Submission:

Ambry Genetics
Classification: Uncertain significance for Inborn genetic diseases. Last evaluated: 2024-12-14. Review status: criteria provided, single submitter. Criteria: Ambry Variant Classification Scheme 2023. Collection method: clinical testing. Allele origin: germline.
Comment: The p.A1106S variant (also known as c.3316G>T), located in coding exon 1 of the SAMD9L gene, results from a G to T substitution at nucleotide position 3316. The alanine at codon 1106 is replaced by serine, an amino acid with similar properties. This amino acid position is conserved. In addition, this alteration is predicted to be tolerated by in silico analysis. Based on the available evidence, the clinical significance of this variant remains unclear.

NM_152703.5(SAMD9L):c.3316G>T (p.Ala1106Ser)

Gene: SAMD9L (sterile alpha motif domain containing 9 like; minus strand). Cytogenetic location: 7q21.2.
Variant type: single nucleotide variant.
Coding change: c.3316G>T on transcript NM_152703.5 (MANE Select); coding-DNA position 3316, G replaced by T.
Protein change: p.Ala1106Ser; replaces alanine 1106 with serine.
Molecular consequence: missense variant.
Genome position (GRCh38, 1-based): chr7:93,132,656, C>A on the plus strand (G>T on the coding strand, the complement: SAMD9L is on the minus strand). VCF-style: chr7-93132656-C-A. GRCh37 (hg19) VCF-style: chr7-92761969-C-A.
Other names: c.3316G>T, p.Ala1106Ser (NM_001303496.3, NM_001303497.3, NM_001303498.3 and 5 more transcripts); short protein forms A1106S.
Identifiers: ClinVar variation 3792204 (VCV003792204.1).